The following is an entry in ClinVar:

NM_024537.4(CARS2):c.1504C>A (p.Leu502Met)

Gene: CARS2 (cysteinyl-tRNA synthetase 2, mitochondrial; minus strand). Cytogenetic location: 13q34.
Variant type: single nucleotide variant.
Coding change: c.1504C>A on transcript NM_024537.4 (MANE Select); coding-DNA position 1504, C replaced by A.
Protein change: p.Leu502Met; replaces leucine 502 with methionine.
Molecular consequence: missense variant. On other transcripts: non-coding transcript variant (2).
Genome position (GRCh38, 1-based): chr13:110,642,434, G>T on the plus strand (C>A on the coding strand, the complement: CARS2 is on the minus strand). VCF-style: chr13-110642434-G-T. GRCh37 (hg19) VCF-style: chr13-111294781-G-T.
Other names: c.718C>A, p.Leu240Met (NM_001352252.2); short protein forms L502M, L240M.
Identifiers: ClinVar variation 1393535 (VCV001393535.6), dbSNP rs2139667208, ClinGen allele CA388740428.
Genomic context (GRCh38, chr13:110,642,434, plus strand): 5'-GGGGCTGCCTTTCTAGGAGCTGCTGCCGCCGGGCGTCCCCCGTGGCCTCGGGCATGGCCA[G>T]CGCAAACTGCCGGACCTTCTGCCGGAACCGCACCAGCTCGTCCACCACACCATGCAAGGT-3'
Protein context (NP_078813.1, residues 492-512): RFRQKVRQFA[Leu502Met]AMPEATGDAR

ClinVar aggregate classification (germline): Uncertain significance (1 of 4 stars; one submission).

Conditions:
Combined oxidative phosphorylation defect type 27. Also called: Combined oxidative phosphorylation deficiency 27. Identifiers: Orphanet 477774, MedGen C5567608, MONDO:0014728, OMIM 616672.

Submission:

Labcorp Genetics (formerly Invitae), Labcorp
Classification: Uncertain significance for Combined oxidative phosphorylation defect type 27. Last evaluated: 2023-08-24. Review status: criteria provided, single submitter. Criteria: Invitae Variant Classification Sherloc (09022015). Collection method: clinical testing. Allele origin: germline.
Comment: This sequence change replaces leucine, which is neutral and non-polar, with methionine, which is neutral and non-polar, at codon 502 of the CARS2 protein (p.Leu502Met). This variant is not present in population databases (gnomAD no frequency). This variant has not been reported in the literature in individuals affected with CARS2-related conditions. ClinVar contains an entry for this variant (Variation ID: 1393535). An algorithm developed to predict the effect of missense changes on protein structure and function (PolyPhen-2) suggests that this variant is likely to be disruptive. In summary, the available evidence is currently insufficient to determine the role of this variant in disease. Therefore, it has been classified as a Variant of Uncertain Significance.